The following is an entry in ClinVar:

NM_001110556.2(FLNA):c.2106T>C (p.Gly702=)

Gene: FLNA (filamin A; minus strand). Cytogenetic location: Xq28.
Variant type: single nucleotide variant.
Coding change: c.2106T>C on transcript NM_001110556.2 (MANE Select); coding-DNA position 2106, T replaced by C.
Protein change: p.Gly702=; no amino-acid change (glycine 702 retained).
Molecular consequence: synonymous variant.
Genome position (GRCh38, 1-based): chrX:154,364,289, A>G on the plus strand (T>C on the coding strand, the complement: FLNA is on the minus strand). VCF-style: chrX-154364289-A-G. GRCh37 (hg19) VCF-style: chrX-153592657-A-G.
Other names: c.2106T>C, p.Gly702= (NM_001456.4).
Identifiers: ClinVar variation 1553860 (VCV001553860.12), dbSNP rs2067738118, ClinGen allele CA519709149.

ClinVar aggregate classification (germline): Likely benign. Review status: criteria provided, multiple submitters, no conflicts (2 of 4 stars). 2 submissions from 2 submitters: Likely benign (2). Last evaluated 2026-02-01.

Conditions:
Heterotopia, periventricular, X-linked dominant (PVNH1). Also called: PERIVENTRICULAR NODULAR HETEROTOPIA 4; HETEROTOPIA, PERIVENTRICULAR, 1; PERIVENTRICULAR NODULAR HETEROTOPIA 1; X-linked periventricular heterotopia. Identifiers: Orphanet 2149, Orphanet 82004, MedGen C1848213, MONDO:0010233, OMIM 300049.
Frontometaphyseal dysplasia (FMD1). Identifiers: Orphanet 1826, MedGen C0265293, MONDO:0015942.
Melnick-Needles syndrome (MNS). Also called: Melnick-Needles Syndrome (FLNA-MNS); MELNICK-NEEDLES OSTEODYSPLASTY; OSTEODYSPLASTY OF MELNICK AND NEEDLES. Identifiers: Orphanet 2484, MedGen C0025237, MONDO:0010650, OMIM 309350.
Oto-palato-digital syndrome, type II (OPD2). Also called: Otopalatodigital Syndrome Type 2 (FLNA-OPD2); Otopalatodigital Syndrome, Type II; FACIOPALATOOSSEOUS SYNDROME; OPD II SYNDROME. Identifiers: Orphanet 669, Orphanet 90652, MedGen C1844696, MONDO:0010571, OMIM 304120.

Allele frequency attached by ClinVar (database versions not stated): TOPMed below 0.00001; gnomAD 0.00001.
gnomAD v4.1: 1 of 1,209,300 alleles (0.000083%); highest among the groups gnomAD compares: African/African-American, 0.0018%; no homozygotes.

Submissions (2):

CeGaT Center for Human Genetics Tuebingen
Classification: Likely benign. Last evaluated: 2026-02-01. Review status: criteria provided, single submitter. Criteria: CeGaT Center For Human Genetics Tuebingen Variant Classification Criteria Version 2. Collection method: clinical testing. Allele origin: germline. Affected: yes. Observed: 1 variant allele.
Comment: FLNA: BP4, BP7

Labcorp Genetics (formerly Invitae), Labcorp
Classification: Likely benign for Oto-palato-digital syndrome, type II; Heterotopia, periventricular, X-linked dominant; Frontometaphyseal dysplasia; Melnick-Needles syndrome. Last evaluated: 2021-04-24. Review status: criteria provided, single submitter. Criteria: Invitae Variant Classification Sherloc (09022015). Collection method: clinical testing. Allele origin: germline.